The following is an entry in ClinVar:

NM_001267550.2(TTN):c.53100T>G (p.Pro17700=)

Genes: TTN (titin; minus strand), TTN-AS1 (TTN antisense RNA 1; plus strand), LOC126806425 (BRD4-independent group 4 enhancer GRCh37_chr2:179471933-179473132; plus strand). Cytogenetic location: 2q31.2.
Variant type: single nucleotide variant.
Coding change: c.53100T>G on transcript NM_001267550.2 (MANE Select); coding-DNA position 53100, T replaced by G.
Protein change: p.Pro17700=; no amino-acid change (proline 17700 retained).
Molecular consequence: synonymous variant.
Genome position (GRCh38, 1-based): chr2:178,607,588, A>C on the plus strand (T>G on the coding strand, the complement: TTN is on the minus strand). VCF-style: chr2-178607588-A-C. GRCh37 (hg19) VCF-style: chr2-179472315-A-C.
Other names: c.48177T>G, p.Pro16059= (NM_001256850.1); c.25905T>G, p.Pro8635= (NM_003319.4); c.45396T>G, p.Pro15132= (NM_133378.4); c.26280T>G, p.Pro8760= (NM_133432.3); c.26481T>G, p.Pro8827= (NM_133437.4).
Identifiers: ClinVar variation 378823 (VCV000378823.24), dbSNP rs373140387, ClinGen allele CA1993856.

ClinVar aggregate classification (germline): Benign/Likely benign. Review status: criteria provided, multiple submitters, no conflicts (2 of 4 stars). 11 submissions from 8 submitters: Benign (5); Likely benign (6). Last evaluated 2025-11-17.

Conditions:
TTN-related disorder. Also called: TTN-related disorders; TTN-related condition; TTN-related disease.
Autosomal recessive limb-girdle muscular dystrophy type 2J (LGMDR10). Also called: Limb-girdle muscular dystrophy, type 2J; MUSCULAR DYSTROPHY, LIMB-GIRDLE, AUTOSOMAL RECESSIVE 10. Identifiers: Orphanet 140922, MedGen C1837342, MONDO:0012127, OMIM 608807.
Dilated cardiomyopathy 1G (CMD1G). Identifiers: Orphanet 154, MedGen C1858763, MONDO:0011400, OMIM 604145.
Cardiovascular phenotype. Identifiers: MedGen CN230736.
Early-onset myopathy with fatal cardiomyopathy (CMYO5). Also called: Salih Myopathy; CONGENITAL MYOPATHY 5 WITH CARDIOMYOPATHY. Identifiers: Orphanet 289377, MedGen C2673677, MONDO:0012714, OMIM 611705. Disease mechanism: loss of function.
Tibial muscular dystrophy (TMD). Also called: UDD MYOPATHY; Tibial muscular dystrophy, tardive; Udd Distal Myopathy – Tibial Muscular Dystrophy. Identifiers: Orphanet 609, MedGen C1838244, MONDO:0010870, OMIM 600334.
Myopathy, myofibrillar, 9, with early respiratory failure (MFM9). Also called: Hereditary myopathy with early respiratory failure; MYOPATHY, PROXIMAL, WITH EARLY RESPIRATORY MUSCLE INVOLVEMENT; EDSTROM MYOPATHY; Myopathy, distal, with early respiratory failure, autosomal dominant. Identifiers: Orphanet 178464, Orphanet 34521, MedGen C1863599, MONDO:0011362, OMIM 603689.

Allele frequency attached by ClinVar (database versions not stated): ExAC 0.00003; gnomAD 0.00003 and 0.00002; gnomAD exomes 0.00004; ESP Exome Variant Server 0.00008; TOPMed 0.00002.
gnomAD v4.1: 101 of 1,613,096 alleles (0.0063%); highest among the groups gnomAD compares: Non-Finnish European, 0.0082%; no homozygotes.

Submissions (11):

Labcorp Genetics (formerly Invitae), Labcorp
Classification: Likely benign for Dilated cardiomyopathy 1G; Autosomal recessive limb-girdle muscular dystrophy type 2J. Last evaluated: 2025-11-17. Review status: criteria provided, single submitter. Criteria: Invitae Variant Classification Sherloc (09022015). Collection method: clinical testing. Allele origin: germline.

PreventionGenetics, part of Exact Sciences
Classification: Likely benign for TTN-related condition. Last evaluated: 2025-03-17. Review status: criteria provided, single submitter. Criteria: ACMG Guidelines, 2015. Collection method: clinical testing. Allele origin: germline.
Comment: This variant is classified as likely benign based on ACMG/AMP sequence variant interpretation guidelines (Richards et al. 2015 PMID: 25741868, with internal and published modifications).

Blueprint Genetics
Classification: Likely benign. Last evaluated: 2024-04-24. Review status: criteria provided, single submitter. Criteria: ACMG Guidelines, 2015. Collection method: clinical testing. Allele origin: germline.

Genome-Nilou Lab
Classification: Benign for Autosomal recessive limb-girdle muscular dystrophy type 2J. Last evaluated: 2021-09-10. Review status: criteria provided, single submitter. Criteria: ACMG Guidelines, 2015. Collection method: clinical testing. Allele origin: germline. Affected: no.

Genome-Nilou Lab
Classification: Benign for Myopathy, myofibrillar, 9, with early respiratory failure. Last evaluated: 2021-09-10. Review status: criteria provided, single submitter. Criteria: ACMG Guidelines, 2015. Collection method: clinical testing. Allele origin: germline. Affected: no.

Genome-Nilou Lab
Classification: Benign for Early-onset myopathy with fatal cardiomyopathy. Last evaluated: 2021-09-10. Review status: criteria provided, single submitter. Criteria: ACMG Guidelines, 2015. Collection method: clinical testing. Allele origin: germline. Affected: no.

Genome-Nilou Lab
Classification: Benign for Tibial muscular dystrophy. Last evaluated: 2021-09-10. Review status: criteria provided, single submitter. Criteria: ACMG Guidelines, 2015. Collection method: clinical testing. Allele origin: germline. Affected: no.

Ambry Genetics
Classification: Likely benign for Cardiovascular phenotype. Last evaluated: 2021-04-20. Review status: criteria provided, single submitter. Criteria: Ambry Variant Classification Scheme 2023. Collection method: clinical testing. Allele origin: germline.

ARUP Laboratories, Molecular Genetics and Genomics, ARUP Laboratories
Classification: Likely benign. Last evaluated: 2018-07-24. Review status: criteria provided, single submitter. Criteria: ARUP Molecular Germline Variant Investigation Process. Collection method: clinical testing. Allele origin: germline.

GeneDx
Classification: Benign. Last evaluated: 2016-10-03. Review status: criteria provided, single submitter. Criteria: GeneDx Variant Classification (06012015). Collection method: clinical testing. Allele origin: germline. Affected: yes.
Comment: This variant is considered likely benign or benign based on one or more of the following criteria: it is a conservative change, it occurs at a poorly conserved position in the protein, it is predicted to be benign by multiple in silico algorithms, and/or has population frequency not consistent with disease.

Breakthrough Genomics
Classification: Likely benign. Review status: criteria provided, single submitter. Criteria: ACMG Guidelines, 2015. Collection method: not provided. Allele origin: germline. Inheritance: Autosomal recessive inheritance. Affected: yes.